The following is an entry in ClinVar:

ClinVar aggregate classification (germline): Uncertain significance (1 of 4 stars; one submission).

Allele frequency attached by ClinVar (database versions not stated): ExAC 0.00001; gnomAD 0.00001; TOPMed 0.00001.

Submission:

Labcorp Genetics (formerly Invitae), Labcorp
Classification: Uncertain significance. Last evaluated: 2024-04-05. Review status: criteria provided, single submitter. Criteria: Invitae Variant Classification Sherloc (09022015). Collection method: clinical testing. Allele origin: germline.
Comment: This sequence change replaces arginine, which is basic and polar, with tryptophan, which is neutral and slightly polar, at codon 688 of the GUCY2C protein (p.Arg688Trp). This variant is present in population databases (rs745925288, gnomAD 0.002%). This variant has not been reported in the literature in individuals affected with GUCY2C-related conditions. ClinVar contains an entry for this variant (Variation ID: 1525767). Advanced modeling of protein sequence and biophysical properties (such as structural, functional, and spatial information, amino acid conservation, physicochemical variation, residue mobility, and thermodynamic stability) performed at Invitae indicates that this missense variant is not expected to disrupt GUCY2C protein function with a negative predictive value of 80%. In summary, the available evidence is currently insufficient to determine the role of this variant in disease. Therefore, it has been classified as a Variant of Uncertain Significance.

NM_004963.4(GUCY2C):c.2062C>T (p.Arg688Trp)

Gene: GUCY2C (guanylate cyclase 2C; minus strand). Cytogenetic location: 12p12.3.
Variant type: single nucleotide variant.
Coding change: c.2062C>T on transcript NM_004963.4 (MANE Select); coding-DNA position 2062, C replaced by T.
Protein change: p.Arg688Trp; replaces arginine 688 with tryptophan.
Molecular consequence: missense variant.
Genome position (GRCh38, 1-based): chr12:14,641,088, G>A on the plus strand (C>T on the coding strand, the complement: GUCY2C is on the minus strand). VCF-style: chr12-14641088-G-A. GRCh37 (hg19) VCF-style: chr12-14794022-G-A.
Other names: short protein forms R688W.
Identifiers: ClinVar variation 1525767 (VCV001525767.6), dbSNP rs745925288, ClinGen allele CA6463205.